The following is an entry in ClinVar:

NM_014844.5(TECPR2):c.2998G>T (p.Asp1000Tyr)

Gene: TECPR2 (tectonin beta-propeller repeat containing 2; plus strand). Cytogenetic location: 14q32.31.
Variant type: single nucleotide variant.
Coding change: c.2998G>T on transcript NM_014844.5 (MANE Select); coding-DNA position 2998, G replaced by T.
Protein change: p.Asp1000Tyr; replaces aspartic acid 1000 with tyrosine.
Molecular consequence: missense variant.
Genome position (GRCh38, 1-based): chr14:102,445,870, G>T. VCF-style: chr14-102445870-G-T. GRCh37 (hg19) VCF-style: chr14-102912207-G-T.
Other names: c.2998G>T, p.Asp1000Tyr (NM_001172631.3); short protein forms D1000Y.
Identifiers: ClinVar variation 972900 (VCV000972900.5), dbSNP rs1889962674, ClinGen allele CA391067668.

ClinVar aggregate classification (germline): Uncertain significance. Review status: criteria provided, multiple submitters, no conflicts (2 of 4 stars). 3 submissions from 3 submitters: Uncertain significance (2). 1 of the submissions does not count toward it. Last evaluated 2024-03-23.

Conditions:
Hereditary spastic paraplegia 49 (HSAN9). Also called: Spastic paraplegia 49, autosomal recessive; NEUROPATHY, HEREDITARY SENSORY AND AUTONOMIC, TYPE IX, WITH DEVELOPMENTAL DELAY; TECPR2-Related Hereditary Sensory and Autonomic Neuropathy with Intellectual Disability. Identifiers: Orphanet 320385, MedGen C5190860, MONDO:0014016, OMIM 615031.

Submissions (3):

Genomic Medicine Center of Excellence, King Faisal Specialist Hospital and Research Centre
Classification: Uncertain significance for Hereditary spastic paraplegia 49. Last evaluated: 2024-03-23. Review status: criteria provided, single submitter. Criteria: ACMG Guidelines, 2015. Collection method: clinical testing. Allele origin: germline.

Institute of Human Genetics, University of Leipzig Medical Center
Classification: Uncertain significance for Hereditary spastic paraplegia 49. Last evaluated: 2020-06-27. Review status: criteria provided, single submitter. Criteria: ACMG Guidelines, 2015. Collection method: research. Allele origin: inherited. Inheritance: Autosomal recessive inheritance. Affected: yes. Observed: 2 variant alleles, 2 homozygotes.
Comment: This missense variant c.2998G>T, p.(Asp1000Tyr) in exon 13/20 of TECPR2 has not been reported in the general population, in public mutation databases or in the literature. However, biallelic truncating or missense variants have been described to cause "Spastic paraplegia 49, autosomal recessive" (Oz-Levi et al. Am J Hum Genet. 2012, PMID: 23176824). Multiple in silico-tools predict this variant as damaging. Taken together, we classify this variant as of unknown significance based on the ACMG recommendations (Richards et al., 2015, PMID 25741868; criteria: PM2 PP3).

OMIM
Classification: Pathogenic for NEUROPATHY, HEREDITARY SENSORY AND AUTONOMIC, TYPE IX, WITH DEVELOPMENTAL DELAY. Last evaluated: 2021-10-19. Review status: no assertion criteria provided. Collection method: literature only. Allele origin: germline. Not counted in ClinVar's aggregate classification.

Literature cited by the submitters: PubMed 33847017 (cited by OMIM).